The following is an entry in ClinVar:

ClinVar aggregate classification (germline): Uncertain significance. Review status: criteria provided, multiple submitters, no conflicts (2 of 4 stars). 2 submissions from 2 submitters: Uncertain significance (2). Last evaluated 2025-05-14.

Conditions:
Glycogen storage disease IXd (GSD9D). Also called: Muscle Phosphorylase Kinase Deficiency; GSD IXd. Identifiers: Orphanet 715, MedGen C1845151, MONDO:0010362, OMIM 300559.

Allele frequency attached by ClinVar (database versions not stated): gnomAD exomes 0.00001; TOPMed 0.00001.
gnomAD v4.1: 11 of 1,204,903 alleles (0.00091%); highest among the groups gnomAD compares: Non-Finnish European, 0.0011%; no homozygotes.

Submissions (2):

Labcorp Genetics (formerly Invitae), Labcorp
Classification: Uncertain significance for Glycogen storage disease IXd. Last evaluated: 2025-05-14. Review status: criteria provided, single submitter. Criteria: Invitae Variant Classification Sherloc (09022015). Collection method: clinical testing. Allele origin: germline.
Comment: This sequence change replaces isoleucine, which is neutral and non-polar, with threonine, which is neutral and polar, at codon 360 of the PHKA1 protein (p.Ile360Thr). This variant is not present in population databases (gnomAD no frequency). This variant has not been reported in the literature in individuals affected with PHKA1-related conditions. ClinVar contains an entry for this variant (Variation ID: 379828). Invitae Evidence Modeling of protein sequence and biophysical properties (such as structural, functional, and spatial information, amino acid conservation, physicochemical variation, residue mobility, and thermodynamic stability) indicates that this missense variant is expected to disrupt PHKA1 protein function with a positive predictive value of 80%. In summary, the available evidence is currently insufficient to determine the role of this variant in disease. Therefore, it has been classified as a Variant of Uncertain Significance.

GeneDx
Classification: Uncertain significance. Last evaluated: 2025-04-04. Review status: criteria provided, single submitter. Criteria: GeneDx Variant Classification Process June 2021. Collection method: clinical testing. Allele origin: germline. Affected: yes.
Comment: Identified in a patient with autism in published literature; however, variants in other genes were also reported in this individual (PMID: 37492102); In silico analysis supports that this missense variant has a deleterious effect on protein structure/function; This variant is associated with the following publications: (PMID: 37492102)

NM_002637.4(PHKA1):c.1079T>C (p.Ile360Thr)

Gene: PHKA1 (phosphorylase kinase regulatory subunit alpha 1; minus strand). Cytogenetic location: Xq13.1.
Variant type: single nucleotide variant.
Coding change: c.1079T>C on transcript NM_002637.4 (MANE Select); coding-DNA position 1079, T replaced by C.
Protein change: p.Ile360Thr; replaces isoleucine 360 with threonine.
Molecular consequence: missense variant.
Genome position (GRCh38, 1-based): chrX:72,653,493, A>G on the plus strand (T>C on the coding strand, the complement: PHKA1 is on the minus strand). VCF-style: chrX-72653493-A-G. GRCh37 (hg19) VCF-style: chrX-71873343-A-G.
Other names: c.1079T>C, p.Ile360Thr (NM_001122670.2, NM_001172436.2); short protein forms I360T.
Identifiers: ClinVar variation 379828 (VCV000379828.6), dbSNP rs1031189653, ClinGen allele CA16608585.